The following is an entry in ClinVar:

ClinVar aggregate classification (germline): Uncertain significance. Review status: criteria provided, multiple submitters, no conflicts (2 of 4 stars). 2 submissions from 2 submitters: Uncertain significance (2). Last evaluated 2025-03-16.

Allele frequency attached by ClinVar (database versions not stated): gnomAD 0.00003; TOPMed 0.00003; gnomAD exomes 0.00005; ExAC 0.00006.
gnomAD v4.1: 77 of 1,613,940 alleles (0.0048%); highest among the groups gnomAD compares: Non-Finnish European, 0.0063%; no homozygotes.

Submissions (2):

Ambry Genetics
Classification: Uncertain significance. Last evaluated: 2025-03-16. Review status: criteria provided, single submitter. Criteria: Ambry Variant Classification Scheme 2023. Collection method: clinical testing. Allele origin: germline.

Labcorp Genetics (formerly Invitae), Labcorp
Classification: Uncertain significance. Last evaluated: 2023-11-10. Review status: criteria provided, single submitter. Criteria: Invitae Variant Classification Sherloc (09022015). Collection method: clinical testing. Allele origin: germline.
Comment: This sequence change replaces asparagine, which is neutral and polar, with tyrosine, which is neutral and polar, at codon 550 of the HMCN1 protein (p.Asn550Tyr). This variant is present in population databases (rs752166735, gnomAD 0.008%). This variant has not been reported in the literature in individuals affected with HMCN1-related conditions. An algorithm developed to predict the effect of missense changes on protein structure and function (PolyPhen-2) suggests that this variant is likely to be disruptive. In summary, the available evidence is currently insufficient to determine the role of this variant in disease. Therefore, it has been classified as a Variant of Uncertain Significance.

NM_031935.3(HMCN1):c.1648A>T (p.Asn550Tyr)

Gene: HMCN1 (hemicentin 1; plus strand). Cytogenetic location: 1q31.1.
Variant type: single nucleotide variant.
Coding change: c.1648A>T on transcript NM_031935.3 (MANE Select); coding-DNA position 1648, A replaced by T.
Protein change: p.Asn550Tyr; replaces asparagine 550 with tyrosine.
Molecular consequence: missense variant.
Genome position (GRCh38, 1-based): chr1:185,933,644, A>T. VCF-style: chr1-185933644-A-T. GRCh37 (hg19) VCF-style: chr1-185902776-A-T.
Other names: c.1648A>T (NM_031935.2); short protein forms N550Y.
Identifiers: ClinVar variation 2958501 (VCV002958501.4), dbSNP rs752166735, ClinGen allele CA1291179.